The following is an entry in ClinVar:

NM_004329.3(BMPR1A):c.*17G>A

Gene: BMPR1A (bone morphogenetic protein receptor type 1A; plus strand). Cytogenetic location: 10q23.2.
Variant type: single nucleotide variant.
Coding change: c.*17G>A on transcript NM_004329.3 (MANE Select); 17 bases downstream of the stop codon, G replaced by A.
Molecular consequence: 3 prime UTR variant.
Genome position (GRCh38, 1-based): chr10:86,923,736, G>A. VCF-style: chr10-86923736-G-A. GRCh37 (hg19) VCF-style: chr10-88683493-G-A.
Identifiers: ClinVar variation 379803 (VCV000379803.5), dbSNP rs574861235, ClinGen allele CA5585756.
Genomic context (GRCh38, chr10:86,923,736, plus strand): 5'-AGACGCTTGCCAAGATGGTTGAATCCCAAGATGTAAAAATCTGATGGTTAAACCATCGGA[G>A]GAGAAACTCTAGACTGCAAGAACTGTTTTTACCCATGGCATGGGTGGAATTAGAGTGGAA-3'

ClinVar aggregate classification (germline): Likely benign. Review status: criteria provided, multiple submitters, no conflicts (2 of 4 stars). 3 submissions from 3 submitters: Likely benign (3). Last evaluated 2025-03-04.

Conditions:
Hereditary cancer-predisposing syndrome. Also called: Tumor predisposition; Hereditary neoplastic syndrome; Neoplastic Syndromes, Hereditary; Hereditary Cancer Syndrome. Identifiers: Orphanet 140162, MedGen C0027672, MeSH D009386, MONDO:0015356.

Allele frequency attached by ClinVar (database versions not stated): gnomAD exomes below 0.00001 and 0.00002; ExAC 0.00001; gnomAD 0.00001; TOPMed 0.00001; 1000 Genomes Project 30x 0.00016; 1000 Genomes Project 0.00020.
gnomAD v4.1: 28 of 1,612,454 alleles (0.0017%); highest among the groups gnomAD compares: Non-Finnish European, 0.0022%; no homozygotes.

Submissions (3):

Center for Genomic Medicine, Rigshospitalet, Copenhagen University Hospital
Classification: Likely benign. Last evaluated: 2025-03-04. Review status: criteria provided, single submitter. Criteria: ACMG Guidelines, 2015. Collection method: clinical testing. Allele origin: germline.

GeneDx
Classification: Likely benign. Last evaluated: 2017-08-21. Review status: criteria provided, single submitter. Criteria: GeneDx Variant Classification (06012015). Collection method: clinical testing. Allele origin: germline. Affected: yes.
Comment: This variant is considered likely benign or benign based on one or more of the following criteria: it is a conservative change, it occurs at a poorly conserved position in the protein, it is predicted to be benign by multiple in silico algorithms, and/or has population frequency not consistent with disease.

Color Diagnostics, LLC DBA Color Health
Classification: Likely benign for Hereditary cancer-predisposing syndrome. Last evaluated: 2017-05-03. Review status: criteria provided, single submitter. Criteria: ACMG Guidelines, 2015. Collection method: clinical testing. Allele origin: germline.